The following is an entry in ClinVar:

NM_001457.4(FLNB):c.1945C>T (p.Arg649Ter)

Gene: FLNB (filamin B; plus strand). Cytogenetic location: 3p14.3.
Variant type: single nucleotide variant.
Coding change: c.1945C>T on transcript NM_001457.4 (MANE Select); coding-DNA position 1945, C replaced by T.
Protein change: p.Arg649Ter; replaces arginine 649 with a stop codon.
Molecular consequence: nonsense.
Genome position (GRCh38, 1-based): chr3:58,108,461, C>T. VCF-style: chr3-58108461-C-T. GRCh37 (hg19) VCF-style: chr3-58094188-C-T.
Other names: c.1945C>T, p.Arg649Ter (NM_001164317.2, NM_001164318.2, NM_001164319.2); short protein forms R649*.
Identifiers: ClinVar variation 21280 (VCV000021280.12), dbSNP rs80356517, ClinGen allele CA341838.

ClinVar aggregate classification (germline): Pathogenic. Review status: criteria provided, multiple submitters, no conflicts (2 of 4 stars). 7 submissions from 7 submitters: Pathogenic (5). 2 of the submissions do not count toward it. Last evaluated 2025-10-14.

Conditions:
FLNB-related disorder. Also called: FLNB-related condition; FLNB-related disorders. Identifiers: MedGen CN381095.
FLNB-Related Spectrum Disorders.
Spondylocarpotarsal synostosis syndrome (SCT). Also called: Spondylocarpotarsal Synostosis Syndrome (FLNB-SCT); Synspondylism congenital; Scoliosis, congenital with unilateral unsegmented bar; SPONDYLOCARPOTARSAL SYNDROME; VERTEBRAL FUSION WITH CARPAL COALITION. Identifiers: Orphanet 3275, MedGen C1848934, MONDO:0010094, OMIM 272460.

Allele frequency attached by ClinVar (database versions not stated): gnomAD exomes below 0.00001.
gnomAD v4.1: 6 of 1,608,984 alleles (0.00037%); highest among the groups gnomAD compares: Non-Finnish European, 0.00034%; no homozygotes.

Submissions (7):

Labcorp Genetics (formerly Invitae), Labcorp
Classification: Pathogenic. Last evaluated: 2025-10-14. Review status: criteria provided, single submitter. Criteria: Invitae Variant Classification Sherloc (09022015). Collection method: clinical testing. Allele origin: germline.
Comment: This sequence change creates a premature translational stop signal (p.Arg649*) in the FLNB gene. It is expected to result in an absent or disrupted protein product. Loss-of-function variants in FLNB are known to be pathogenic (PMID: 14991055). The frequency data for this variant in the population databases is considered unreliable, as metrics indicate poor data quality at this position in the gnomAD database. This premature translational stop signal has been observed in individual(s) with autosomal recessive spondylocarpotarsal synostosis syndrome (PMID: 14991055). It has also been observed to segregate with disease in related individuals. ClinVar contains an entry for this variant (Variation ID: 21280). For these reasons, this variant has been classified as Pathogenic.

Blueprint Genetics
Classification: Pathogenic for FLNB-related disorders. Last evaluated: 2023-06-19. Review status: criteria provided, single submitter. Criteria: ACMG Guidelines, 2015. Collection method: clinical testing. Allele origin: germline. Affected: yes. Observed: 1 variant allele.

Dasa
Classification: Pathogenic. Last evaluated: 2022-11-03. Review status: criteria provided, single submitter. Criteria: ACMG Guidelines, 2015. Collection method: clinical testing. Allele origin: germline. Observed: 2 variant alleles.
Comment: The c.1945C>T;p.Arg649* variant creates a premature translational stop signal in the FLNB gene. It is expected to result in an absent or disrupted protein product - PVS1. This sequence change has been observed in affected individual(s) and ClinVar contains an entry for this variant (ClinVar ID: 21280; PMID: 26380986) - PS4. The variant is present at low allele frequencies population databases (rs80356517 – gnomAD 0.00003983%; ABraOM 0.000427 frequency) - PM2_supporting. In summary, the currently available evidence indicates that the variant is pathogenic.

Institute of Human Genetics Munich, TUM University Hospital
Classification: Pathogenic for Spondylocarpotarsal synostosis syndrome. Last evaluated: 2019-05-27. Review status: criteria provided, single submitter. Criteria: Classification criteria August 2017. Collection method: clinical testing. Allele origin: paternal. Inheritance: Autosomal recessive inheritance. Affected: yes. Observed: 1 compound heterozygote.

Programa de Pós-Graduação em Ciências Genômicas e Biotecnologia, Universidade Católica de Brasília
Classification: Pathogenic for Spondylocarpotarsal synostosis. Last evaluated: 2015-04-01. Review status: criteria provided, single submitter. Criteria: Submitter's publication. Collection method: research. Allele origin: inherited. Affected: yes.

Department of Pediatrics, Taizhou Central Hospital, Taizhou University Hospital
Classification: Pathogenic for Spondylocarpotarsal synostosis syndrome. Last evaluated: 2024-02-01. Review status: no assertion criteria provided. Collection method: clinical testing. Allele origin: maternal. Affected: yes. Observed: 1 variant allele. Not counted in ClinVar's aggregate classification.

GeneReviews
No classification provided. Condition: Spondylocarpotarsal synostosis syndrome. Review status: no classification provided. Collection method: literature only. Allele origin: unknown. Not counted in ClinVar's aggregate classification.

Literature cited by the submitters: PubMed 14991055 (cited by Labcorp Genetics (formerly Invitae), Labcorp); PubMed 26380986 (cited by Dasa); PubMed 20301736 (cited by GeneReviews); NCBI Bookshelf NBK2534 (cited by GeneReviews).